The following is an entry in ClinVar:

NM_016239.4(MYO15A):c.10382T>A (p.Ile3461Asn)

Gene: MYO15A (myosin XVA; plus strand). Cytogenetic location: 17p11.2.
Variant type: single nucleotide variant.
Coding change: c.10382T>A on transcript NM_016239.4 (MANE Select); coding-DNA position 10382, T replaced by A.
Protein change: p.Ile3461Asn; replaces isoleucine 3461 with asparagine.
Molecular consequence: missense variant.
Genome position (GRCh38, 1-based): chr17:18,173,812, T>A. VCF-style: chr17-18173812-T-A. GRCh37 (hg19) VCF-style: chr17-18077126-T-A.
Other names: short protein forms I3461N.
Identifiers: ClinVar variation 2133276 (VCV002133276.1), dbSNP rs779091810, ClinGen allele CA398645141.

ClinVar aggregate classification (germline): Uncertain significance (1 of 4 stars; one submission).

gnomAD v4.1: 3 of 1,613,950 alleles (0.00019%); no homozygotes.

Submission:

Labcorp Genetics (formerly Invitae), Labcorp
Classification: Uncertain significance. Last evaluated: 2022-05-03. Review status: criteria provided, single submitter. Criteria: Invitae Variant Classification Sherloc (09022015). Collection method: clinical testing. Allele origin: germline.
Comment: This sequence change replaces isoleucine, which is neutral and non-polar, with asparagine, which is neutral and polar, at codon 3461 of the MYO15A protein (p.Ile3461Asn). This variant is present in population databases (no rsID available, gnomAD 0.02%). This missense change has been observed in individual(s) with autosomal recessive deafness (Invitae). Advanced modeling of protein sequence and biophysical properties (such as structural, functional, and spatial information, amino acid conservation, physicochemical variation, residue mobility, and thermodynamic stability) performed at Invitae indicates that this missense variant is not expected to disrupt MYO15A protein function. In summary, the available evidence is currently insufficient to determine the role of this variant in disease. Therefore, it has been classified as a Variant of Uncertain Significance.